The following is an entry in ClinVar:

NM_014714.4(IFT140):c.4159G>T (p.Val1387Leu)

Gene: IFT140 (intraflagellar transport 140; minus strand). Cytogenetic location: 16p13.3.
Variant type: single nucleotide variant.
Coding change: c.4159G>T on transcript NM_014714.4 (MANE Select); coding-DNA position 4159, G replaced by T.
Protein change: p.Val1387Leu; replaces valine 1387 with leucine.
Molecular consequence: missense variant.
Genome position (GRCh38, 1-based): chr16:1,518,239, C>A on the plus strand (G>T on the coding strand, the complement: IFT140 is on the minus strand). VCF-style: chr16-1518239-C-A. GRCh37 (hg19) VCF-style: chr16-1568240-C-A.
Other names: short protein forms V1387L.
Identifiers: ClinVar variation 858488 (VCV000858488.15), dbSNP rs142668269, ClinGen allele CA7812888.

ClinVar aggregate classification (germline): Conflicting classifications of pathogenicity. Review status: criteria provided, conflicting classifications (1 of 4 stars). 6 submissions from 6 submitters: Uncertain significance (3); Likely benign (2). 1 of the submissions does not count toward it. Last evaluated 2026-01-30.

Conditions:
IFT140-related disorder. Also called: IFT140-related condition.
Inborn genetic diseases. Identifiers: MedGen C0950123, MeSH D030342.
Saldino-Mainzer syndrome (SRTD9). Also called: Renal dysplasia, retinal pigmentary dystrophy, cerebellar ataxia and skeletal dysplasia; SHORT-RIB THORACIC DYSPLASIA 9 WITHOUT POLYDACTYLY; short-rib thoracic dysplasia 9 with or without polydactyly; CONORENAL SYNDROME. Identifiers: Orphanet 140969, MedGen C1849437, MONDO:0009964, OMIM 266920.
Retinitis pigmentosa 80 (RP80). Identifiers: MedGen C4540439, MONDO:0054708, OMIM 617781.

Allele frequency attached by ClinVar (database versions not stated): TOPMed 0.00001.
gnomAD v4.1: 48 of 1,613,840 alleles (0.003%); highest among the groups gnomAD compares: Admixed American, 0.012%; no homozygotes.

Submissions (6):

Labcorp Genetics (formerly Invitae), Labcorp
Classification: Likely benign for Saldino-Mainzer syndrome. Last evaluated: 2026-01-30. Review status: criteria provided, single submitter. Criteria: Invitae Variant Classification Sherloc (09022015). Collection method: clinical testing. Allele origin: germline.

Blueprint Genetics
Classification: Uncertain significance. Last evaluated: 2024-11-18. Review status: criteria provided, single submitter. Criteria: ACMG Guidelines, 2015. Collection method: clinical testing. Allele origin: germline.

GeneDx
Classification: Uncertain significance. Last evaluated: 2024-11-16. Review status: criteria provided, single submitter. Criteria: GeneDx Variant Classification Process June 2021. Collection method: clinical testing. Allele origin: germline. Affected: yes.
Comment: In silico analysis indicates that this missense variant does not alter protein structure/function; Has not been previously published as pathogenic or benign to our knowledge

Ambry Genetics
Classification: Likely benign for Inborn genetic diseases. Last evaluated: 2023-05-23. Review status: criteria provided, single submitter. Criteria: Ambry Variant Classification Scheme 2023. Collection method: clinical testing. Allele origin: germline.

Fulgent Genetics
Classification: Uncertain significance for Saldino-Mainzer syndrome; Retinitis pigmentosa 80. Last evaluated: 2021-10-11. Review status: criteria provided, single submitter. Criteria: ACMG Guidelines, 2015. Collection method: clinical testing. Allele origin: unknown.

PreventionGenetics, part of Exact Sciences
Classification: Uncertain significance for IFT140-related condition. Last evaluated: 2024-09-10. Review status: no assertion criteria provided. Collection method: clinical testing. Allele origin: germline. Not counted in ClinVar's aggregate classification.
Comment: The IFT140 c.4159G>T variant is predicted to result in the amino acid substitution p.Val1387Leu. To our knowledge, this variant has not been reported in the literature. This variant is reported in 0.080% of alleles in individuals of Ashkenazi Jewish descent in gnomAD, which may be too common to be a primary cause of disease. Although we suspect that this variant may be benign, at this time, the clinical significance of this variant is uncertain due to the absence of conclusive functional and genetic evidence.